The following is an entry in ClinVar:

NM_017649.5(CNNM2):c.1157C>G (p.Thr386Ser)

Gene: CNNM2 (cyclin and CBS domain divalent metal cation transport mediator 2; plus strand). Cytogenetic location: 10q24.32.
Variant type: single nucleotide variant.
Coding change: c.1157C>G on transcript NM_017649.5 (MANE Select); coding-DNA position 1157, C replaced by G.
Protein change: p.Thr386Ser; replaces threonine 386 with serine.
Molecular consequence: missense variant.
Genome position (GRCh38, 1-based): chr10:102,919,637, C>G. VCF-style: chr10-102919637-C-G. GRCh37 (hg19) VCF-style: chr10-104679394-C-G.
Other names: c.1157C>G, p.Thr386Ser (NM_199076.3, NM_199077.3); short protein forms T386S.
Identifiers: ClinVar variation 2573763 (VCV002573763.1), dbSNP rs2493376267, ClinGen allele CA377959600.

ClinVar aggregate classification (germline): Uncertain significance (1 of 4 stars; one submission).

Submission:

GeneDx
Classification: Uncertain significance. Last evaluated: 2023-01-19. Review status: criteria provided, single submitter. Criteria: GeneDx Variant Classification Process June 2021. Collection method: clinical testing. Allele origin: germline. Affected: yes.
Comment: Not observed at significant frequency in large population cohorts (gnomAD); In silico analysis supports that this missense variant has a deleterious effect on protein structure/function; Has not been previously published as pathogenic or benign to our knowledge